The following is an entry in ClinVar:

ClinVar aggregate classification (germline): Likely benign. Review status: reviewed by expert panel (3 of 4 stars). 8 submissions from 8 submitters: Likely benign (1). 7 of the submissions do not count toward it. Last evaluated 2017-06-29.

Conditions:
Hereditary cancer-predisposing syndrome. Also called: Tumor predisposition; Hereditary neoplastic syndrome; Neoplastic Syndromes, Hereditary; Hereditary Cancer Syndrome. Identifiers: Orphanet 140162, MedGen C0027672, MeSH D009386, MONDO:0015356.
Hereditary breast ovarian cancer syndrome. Also called: Hereditary breast and ovarian cancer; BRCA1- and BRCA2-Associated Hereditary Breast and Ovarian Cancer; Hereditary breast and/or ovarian cancer syndrome; Hereditary breast and ovarian cancer syndrome; Hereditary breast and ovarian cancer syndrome (HBOC); Breast and ovarian cancer. Identifiers: Orphanet 145, MedGen C0677776, MeSH D061325, MONDO:0003582. Disease mechanism: loss of function.
Breast-ovarian cancer, familial, susceptibility to, 2 (BROVCA2). Also called: BRCA2 Hereditary Breast and Ovarian Cancer. Identifiers: Orphanet 145, MedGen C2675520, MONDO:0012933, OMIM 612555. Disease mechanism: loss of function.

Allele frequency attached by ClinVar (database versions not stated): gnomAD exomes below 0.00001.
gnomAD v4.1: 4 of 1,608,650 alleles (0.00025%); highest among the groups gnomAD compares: African/African-American, 0.0013%; no homozygotes.

Submissions (8):

Evidence-based Network for the Interpretation of Germline Mutant Alleles (ENIGMA)
Classification: Likely benign for Breast-ovarian cancer, familial, susceptibility to, 2. Last evaluated: 2017-06-29. Review status: reviewed by expert panel. Criteria: ENIGMA BRCA1/2 Classification Criteria (2017-06-29). Collection method: curation. Allele origin: germline.
Comment: Synonymous substitution variant, with low bioinformatic likelihood to result in a splicing aberration (Splicing prior probability 0.02).

Women's Health and Genetics/Laboratory Corporation of America, LabCorp
Classification: Likely benign. Last evaluated: 2025-07-08. Review status: criteria provided, single submitter. Criteria: LabCorp Variant Classification Summary - May 2015. Collection method: clinical testing. Allele origin: germline. Not counted in ClinVar's aggregate classification.

Labcorp Genetics (formerly Invitae), Labcorp
Classification: Likely benign for Hereditary breast ovarian cancer syndrome. Last evaluated: 2025-06-22. Review status: criteria provided, single submitter. Criteria: Invitae Variant Classification Sherloc (09022015). Collection method: clinical testing. Allele origin: germline. Not counted in ClinVar's aggregate classification.

All of Us Research Program, National Institutes of Health
Classification: Likely benign for Breast-ovarian cancer, familial, susceptibility to, 2. Last evaluated: 2023-07-22. Review status: criteria provided, single submitter. Criteria: ACMG Guidelines, 2015. Collection method: clinical testing. Allele origin: germline. Inheritance: Autosomal dominant inheritance. Observed: 1 variant allele, 1 heterozygote. Not counted in ClinVar's aggregate classification.
Comment: This study involves interpretation of variants in research participants for the purpose of population health screening. Participant phenotype was not available at the time of variant classification. Additional details can be found in publication PMID: 35346344, PMCID: PMC8962531

Color Diagnostics, LLC DBA Color Health
Classification: Likely benign for Hereditary cancer-predisposing syndrome. Last evaluated: 2018-10-25. Review status: criteria provided, single submitter. Criteria: ACMG Guidelines, 2015. Collection method: clinical testing. Allele origin: germline. Not counted in ClinVar's aggregate classification.

Ambry Genetics
Classification: Likely benign for Hereditary cancer-predisposing syndrome. Last evaluated: 2015-09-16. Review status: criteria provided, single submitter. Criteria: Ambry Variant Classification Scheme 2023. Collection method: clinical testing. Allele origin: germline. Not counted in ClinVar's aggregate classification.

Quest Diagnostics Nichols Institute San Juan Capistrano
Classification: Likely benign. Last evaluated: 2015-03-02. Review status: criteria provided, single submitter. Criteria: Quest Diagnostics criteria. Collection method: clinical testing. Allele origin: unknown. Not counted in ClinVar's aggregate classification.

Counsyl
Classification: Likely benign for Breast-ovarian cancer, familial, susceptibility to, 2. Last evaluated: 2016-09-13. Review status: no assertion criteria provided. Collection method: clinical testing. Allele origin: unknown. Not counted in ClinVar's aggregate classification.

NM_000059.4(BRCA2):c.6237G>A (p.Val2079=)

Gene: BRCA2 (BRCA2 DNA repair associated; plus strand). Cytogenetic location: 13q13.1.
Variant type: single nucleotide variant.
Coding change: c.6237G>A on transcript NM_000059.4 (MANE Select); coding-DNA position 6237, G replaced by A.
Protein change: p.Val2079=; no amino-acid change (valine 2079 retained).
Molecular consequence: synonymous variant.
Genome position (GRCh38, 1-based): chr13:32,340,592, G>A. VCF-style: chr13-32340592-G-A. GRCh37 (hg19) VCF-style: chr13-32914729-G-A.
Identifiers: ClinVar variation 220413 (VCV000220413.28), dbSNP rs864622516, ClinGen allele CA349434.